The following is an entry in ClinVar:

NM_019098.5(CNGB3):c.2257A>G (p.Arg753Gly)

Gene: CNGB3 (cyclic nucleotide gated channel subunit beta 3; minus strand). Cytogenetic location: 8q21.3.
Variant type: single nucleotide variant.
Coding change: c.2257A>G on transcript NM_019098.5 (MANE Select); coding-DNA position 2257, A replaced by G.
Protein change: p.Arg753Gly; replaces arginine 753 with glycine.
Molecular consequence: missense variant.
Genome position (GRCh38, 1-based): chr8:86,575,977, T>C on the plus strand (A>G on the coding strand, the complement: CNGB3 is on the minus strand). VCF-style: chr8-86575977-T-C. GRCh37 (hg19) VCF-style: chr8-87588205-T-C.
Other names: short protein forms R753G.
Identifiers: ClinVar variation 1952025 (VCV001952025.2), dbSNP rs1821649885, ClinGen allele CA371446314.
Genomic context (GRCh38, chr8:86,575,977, plus strand): 5'-TCCTTCTAACTGAGTGGGGTTCTTCCTCCACTGCAATAGGACTTGCTGTACATTCAGGTC[T>C]GTCCAGTGGCTTCTCTTCTGGCTCTCTTCCTTTATCTTTATCTTCATTTTCTTTTCCTTT-3'
Protein context (NP_061971.3, residues 743-763): GREPEEKPLD[Arg753Gly]PECTASPIAV

ClinVar aggregate classification (germline): Uncertain significance (1 of 4 stars; one submission).

Allele frequency attached by ClinVar (database versions not stated): gnomAD exomes below 0.00001.
gnomAD v4.1: 1 of 1,614,182 alleles (0.000062%); highest among the groups gnomAD compares: African/African-American, 0.0013%; no homozygotes.

Submission:

Labcorp Genetics (formerly Invitae), Labcorp
Classification: Uncertain significance. Last evaluated: 2022-07-12. Review status: criteria provided, single submitter. Criteria: Invitae Variant Classification Sherloc (09022015). Collection method: clinical testing. Allele origin: germline.
Comment: This sequence change replaces arginine, which is basic and polar, with glycine, which is neutral and non-polar, at codon 753 of the CNGB3 protein (p.Arg753Gly). This variant is not present in population databases (gnomAD no frequency). This variant has not been reported in the literature in individuals affected with CNGB3-related conditions. Advanced modeling of protein sequence and biophysical properties (such as structural, functional, and spatial information, amino acid conservation, physicochemical variation, residue mobility, and thermodynamic stability) performed at Invitae indicates that this missense variant is not expected to disrupt CNGB3 protein function. In summary, the available evidence is currently insufficient to determine the role of this variant in disease. Therefore, it has been classified as a Variant of Uncertain Significance.